The following is an entry in ClinVar:

ClinVar aggregate classification (germline): Pathogenic/Likely pathogenic. Review status: criteria provided, multiple submitters, no conflicts (2 of 4 stars). 2 submissions from 2 submitters: Pathogenic (1); Likely pathogenic (1). Last evaluated 2023-10-26.

Conditions:
Fanconi anemia (FA). Also called: Fanconi's anemia. Identifiers: Orphanet 84, MedGen C0015625, MeSH D005199, MONDO:0019391.

Submissions (2):

Labcorp Genetics (formerly Invitae), Labcorp
Classification: Pathogenic for Fanconi anemia. Last evaluated: 2023-10-26. Review status: criteria provided, single submitter. Criteria: Invitae Variant Classification Sherloc (09022015). Collection method: clinical testing. Allele origin: germline.
Comment: This sequence change creates a premature translational stop signal (p.Lys1816*) in the FANCM gene. It is expected to result in an absent or disrupted protein product. Loss-of-function variants in FANCM are known to be pathogenic (PMID: 29895858, 30075111). This variant is not present in population databases (gnomAD no frequency). This variant has not been reported in the literature in individuals affected with FANCM-related conditions. ClinVar contains an entry for this variant (Variation ID: 1074273). For these reasons, this variant has been classified as Pathogenic.

GeneDx
Classification: Likely pathogenic. Last evaluated: 2022-07-26. Review status: criteria provided, single submitter. Criteria: GeneDx Variant Classification Process June 2021. Collection method: clinical testing. Allele origin: germline. Affected: yes.
Comment: Nonsense variant predicted to result in protein truncation or nonsense mediated decay in a gene for which loss-of-function is a known mechanism of disease; Not observed at significant frequency in large population cohorts (gnomAD); Has not been previously published as pathogenic or benign to our knowledge; This variant is associated with the following publications: (PMID: 27535533)

Literature cited by the submitters: PubMed 29895858 (cited by Labcorp Genetics (formerly Invitae), Labcorp); PubMed 30075111 (cited by Labcorp Genetics (formerly Invitae), Labcorp).

NM_020937.4(FANCM):c.5446A>T (p.Lys1816Ter)

Gene: FANCM (FA complementation group M; plus strand). Cytogenetic location: 14q21.2.
Variant type: single nucleotide variant.
Coding change: c.5446A>T on transcript NM_020937.4 (MANE Select); coding-DNA position 5446, A replaced by T.
Protein change: p.Lys1816Ter; replaces lysine 1816 with a stop codon.
Molecular consequence: nonsense.
Genome position (GRCh38, 1-based): chr14:45,196,277, A>T. VCF-style: chr14-45196277-A-T. GRCh37 (hg19) VCF-style: chr14-45665480-A-T.
Other names: c.5368A>T, p.Lys1790Ter (NM_001308133.2); short protein forms K1790*, K1816*.
Identifiers: ClinVar variation 1074273 (VCV001074273.8), dbSNP rs1594481199, ClinGen allele CA389585866.